The following is an entry in ClinVar:

ClinVar aggregate classification (germline): Conflicting classifications of pathogenicity. Review status: criteria provided, conflicting classifications (1 of 4 stars). 8 submissions from 7 submitters: Uncertain significance (5); Likely benign (3). Last evaluated 2026-01-26.

Conditions:
WHRN-related disorder. Also called: WHRN-related condition.
Autosomal recessive nonsyndromic hearing loss 31. Also called: WHIRLER, MOUSE, HOMOLOG OF. Identifiers: Orphanet 90636, MedGen C1846839, MONDO:0011767, OMIM 607084.
Usher syndrome type 2D. Also called: USHER SYNDROME, TYPE IID. Identifiers: Orphanet 231178, Orphanet 886, MedGen C1568249, MONDO:0012662, OMIM 611383.

Allele frequency attached by ClinVar (database versions not stated): 1000 Genomes Project 30x 0.00062; TOPMed 0.00072; gnomAD 0.00078; 1000 Genomes Project 0.00080; ESP Exome Variant Server 0.00085.
gnomAD v4.1: 224 of 1,614,058 alleles (0.014%); highest among the groups gnomAD compares: African/African-American, 0.24%; no homozygotes.

Submissions (8):

PreventionGenetics, part of Exact Sciences
Classification: Likely benign for WHRN-related condition. Last evaluated: 2026-01-26. Review status: criteria provided, single submitter. Criteria: ACMG Guidelines, 2015. Collection method: clinical testing. Allele origin: germline.
Comment: This variant is classified as likely benign based on ACMG/AMP sequence variant interpretation guidelines (Richards et al. 2015 PMID: 25741868, with internal and published modifications).

Labcorp Genetics (formerly Invitae), Labcorp
Classification: Likely benign. Last evaluated: 2026-01-05. Review status: criteria provided, single submitter. Criteria: Invitae Variant Classification Sherloc (09022015). Collection method: clinical testing. Allele origin: germline.

CeGaT Center for Human Genetics Tuebingen
Classification: Uncertain significance. Last evaluated: 2025-01-01. Review status: criteria provided, single submitter. Criteria: CeGaT Center For Human Genetics Tuebingen Variant Classification Criteria Version 2. Collection method: clinical testing. Allele origin: germline. Affected: yes. Observed: 1 variant allele.

Blueprint Genetics
Classification: Likely benign. Last evaluated: 2024-08-06. Review status: criteria provided, single submitter. Criteria: ACMG Guidelines, 2015. Collection method: clinical testing. Allele origin: germline.

ARUP Laboratories, Molecular Genetics and Genomics, ARUP Laboratories
Classification: Uncertain significance. Last evaluated: 2023-10-16. Review status: criteria provided, single submitter. Criteria: ARUP Molecular Germline Variant Investigation Process 2024. Collection method: clinical testing. Allele origin: germline.
Comment: The WHRN c.2438C>T; p.Thr813Met variant (rs143728180), to our knowledge, is not reported in the medical literature or gene specific databases. This variant is found in the African population with an allele frequency of 0.27% (68/24,902 alleles) in the Genome Aggregation Database. The threonine at codon 813 is moderately conserved, and computational analyses (SIFT: tolerated, PolyPhen-2: possibly damaging) predict conflicting effects of this variant on protein structure/function. Due to limited information, the clinical significance of this variant is uncertain at this time.

GeneDx
Classification: Uncertain significance. Last evaluated: 2021-09-24. Review status: criteria provided, single submitter. Criteria: GeneDx Variant Classification Process June 2021. Collection method: clinical testing. Allele origin: germline. Affected: yes.
Comment: In silico analysis supports that this missense variant does not alter protein structure/function; Has not been previously published as pathogenic or benign to our knowledge

Illumina Laboratory Services, Illumina
Classification: Uncertain significance for Usher syndrome type 2D. Last evaluated: 2018-01-12. Review status: criteria provided, single submitter. Criteria: ICSL Variant Classification Criteria 13 December 2019. Collection method: clinical testing. Allele origin: germline.

Illumina Laboratory Services, Illumina
Classification: Uncertain significance for Autosomal recessive nonsyndromic hearing loss 31. Last evaluated: 2018-01-12. Review status: criteria provided, single submitter. Criteria: ICSL Variant Classification Criteria 13 December 2019. Collection method: clinical testing. Allele origin: germline.

NM_015404.4(WHRN):c.2438C>T (p.Thr813Met)

Gene: WHRN (whirlin; minus strand). Cytogenetic location: 9q32.
Variant type: single nucleotide variant.
Coding change: c.2438C>T on transcript NM_015404.4 (MANE Select); coding-DNA position 2438, C replaced by T.
Protein change: p.Thr813Met; replaces threonine 813 with methionine.
Molecular consequence: missense variant.
Genome position (GRCh38, 1-based): chr9:114,403,320, G>A on the plus strand (C>T on the coding strand, the complement: WHRN is on the minus strand). VCF-style: chr9-114403320-G-A. GRCh37 (hg19) VCF-style: chr9-117165600-G-A.
Other names: c.1289C>T, p.Thr430Met (NM_001083885.3); c.2435C>T, p.Thr812Met (NM_001173425.2); c.1385C>T, p.Thr462Met (NM_001346890.1); short protein forms T813M, T812M, T430M, T462M.
Identifiers: ClinVar variation 913952 (VCV000913952.40), dbSNP rs143728180, ClinGen allele CA5205624.